The following is an entry in ClinVar:

NM_022132.5(MCCC2):c.848C>T (p.Ala283Val)

Gene: MCCC2 (methylcrotonyl-CoA carboxylase subunit 2; plus strand). Cytogenetic location: 5q13.2.
Variant type: single nucleotide variant.
Coding change: c.848C>T on transcript NM_022132.5 (MANE Select); coding-DNA position 848, C replaced by T.
Protein change: p.Ala283Val; replaces alanine 283 with valine.
Molecular consequence: missense variant.
Genome position (GRCh38, 1-based): chr5:71,634,987, C>T. VCF-style: chr5-71634987-C-T. GRCh37 (hg19) VCF-style: chr5-70930814-C-T.
Other names: c.734C>T, p.Ala245Val (NM_001363147.1); short protein forms A245V, A283V.
Identifiers: ClinVar variation 2433669 (VCV002433669.4), dbSNP rs1025436330, ClinGen allele CA119992444.

ClinVar aggregate classification (germline): Uncertain significance. Review status: criteria provided, multiple submitters, no conflicts (2 of 4 stars). 2 submissions from 2 submitters: Uncertain significance (2). Last evaluated 2026-07-06.

Conditions:
3-methylcrotonyl-CoA carboxylase 2 deficiency. Also called: METHYLCROTONYLGLYCINURIA, TYPE II; 3 alpha methylcrotonyl-CoA carboxylase 2 deficiency; 3 alpha methylcrotonylglycinuria 2; MCC 2 deficiency; Methylcrotonylglycinuria type 2. Identifiers: Orphanet 6, MedGen C1859499, MONDO:0008862, OMIM 210210.

Allele frequency attached by ClinVar (database versions not stated): gnomAD exomes below 0.00001.
gnomAD v4.1: 2 of 1,614,032 alleles (0.00012%); highest among the groups gnomAD compares: Non-Finnish European, 0.00017%; no homozygotes.

Submissions (2):

Myriad Genetics, Inc.
Classification: Uncertain significance for 3-methylcrotonyl-CoA carboxylase 2 deficiency. Last evaluated: 2026-07-06. Review status: criteria provided, single submitter. Criteria: Myriad Autosomal Dominant, Autosomal Recessive and X-Linked Classification Criteria (2023). Collection method: clinical testing. Allele origin: unknown.
Comment: NM_022132.4(MCCC2):c.848C>T(A283V) is a missense variant classified as a variant of uncertain significance in the context of 3-methylcrotonyl-CoA carboxylase deficiency, MCCC2-related. A283V has been observed in a case with relevant disease (PMID: 26566957). Relevant functional assessments of this variant are not available in the literature. A283V has not been observed in referenced population frequency databases. In summary, there is insufficient evidence to classify NM_022132.4(MCCC2):c.848C>T(A283V) as pathogenic or benign. Please note: this variant was assessed in the context of healthy population screening.

Revvity Omics, Revvity
Classification: Uncertain significance for 3-methylcrotonyl-CoA carboxylase 2 deficiency. Last evaluated: 2021-01-30. Review status: criteria provided, single submitter. Criteria: ACMG Guidelines, 2015. Collection method: clinical testing. Allele origin: germline.

Literature cited by the submitters: PubMed 26566957 (cited by Myriad Genetics, Inc.).